The following is an entry in ClinVar:

ClinVar aggregate classification (germline): Benign. Review status: criteria provided, multiple submitters, no conflicts (2 of 4 stars). 4 submissions from 4 submitters: Benign (4). Last evaluated 2026-02-02.

Allele frequency attached by ClinVar (database versions not stated): gnomAD 0.04427 and 0.04731; TOPMed 0.04480; ESP Exome Variant Server 0.04882; 1000 Genomes Project 30x 0.05012; 1000 Genomes Project 0.05391; gnomAD exomes 0.05988 and 0.06108; ExAC 0.06110.
gnomAD v4.1: 96,456 of 1,613,286 alleles (6%); highest among the groups gnomAD compares: South Asian, 11%; 3,267 homozygotes.

Submissions (4):

Labcorp Genetics (formerly Invitae), Labcorp
Classification: Benign. Last evaluated: 2026-02-02. Review status: criteria provided, single submitter. Criteria: Invitae Variant Classification Sherloc (09022015). Collection method: clinical testing. Allele origin: germline.

GeneDx
Classification: Benign. Last evaluated: 2013-10-30. Review status: criteria provided, single submitter. Criteria: GeneDx Variant Classification (06012015). Collection method: clinical testing. Allele origin: germline. Affected: yes.
Comment: This variant is considered likely benign or benign based on one or more of the following criteria: it is a conservative change, it occurs at a poorly conserved position in the protein, it is predicted to be benign by multiple in silico algorithms, and/or has population frequency not consistent with disease.

Breakthrough Genomics
Classification: Benign. Review status: criteria provided, single submitter. Criteria: ACMG Guidelines, 2015. Collection method: not provided. Allele origin: germline. Inheritance: Autosomal recessive inheritance. Affected: yes.

PreventionGenetics, part of Exact Sciences
Classification: Benign. Review status: criteria provided, single submitter. Criteria: ACMG Guidelines, 2015. Collection method: clinical testing. Allele origin: germline.

NM_006420.3(ARFGEF2):c.424-16C>T

Gene: ARFGEF2 (ARF guanine nucleotide exchange factor 2; plus strand). Cytogenetic location: 20q13.13.
Variant type: single nucleotide variant.
Coding change: c.424-16C>T on transcript NM_006420.3 (MANE Select); 16 bases into the intron before coding-DNA position 424, C replaced by T.
Molecular consequence: intron variant.
Genome position (GRCh38, 1-based): chr20:48,952,689, C>T. VCF-style: chr20-48952689-C-T. GRCh37 (hg19) VCF-style: chr20-47569226-C-T.
Identifiers: ClinVar variation 136418 (VCV000136418.12), dbSNP rs41304647, ClinGen allele CA289508.